The following is an entry in ClinVar:

NM_022841.7(RFX7):c.1592G>A (p.Gly531Glu)

Gene: RFX7 (regulatory factor X7; minus strand). Cytogenetic location: 15q21.3.
Variant type: single nucleotide variant.
Coding change: c.1592G>A on transcript NM_022841.7 (MANE Select); coding-DNA position 1592, G replaced by A.
Protein change: p.Gly531Glu; replaces glycine 531 with glutamic acid.
Molecular consequence: missense variant.
Genome position (GRCh38, 1-based): chr15:56,096,136, C>T on the plus strand (G>A on the coding strand, the complement: RFX7 is on the minus strand). VCF-style: chr15-56096136-C-T. GRCh37 (hg19) VCF-style: chr15-56388334-C-T.
Other names: c.1301G>A, p.Gly434Glu (NM_001368073.2, NM_001368074.1, NM_001370554.1); c.1592G>A, p.Gly531Glu (NM_001370561.1); short protein forms G531E, G434E.
Identifiers: ClinVar variation 2462117 (VCV002462117.2), dbSNP rs16976751, ClinGen allele CA392583026.

ClinVar aggregate classification (germline): Uncertain significance (1 of 4 stars; one submission).

Conditions:
Inborn genetic diseases. Identifiers: MedGen C0950123, MeSH D030342.

gnomAD v4.1: 2 of 1,613,720 alleles (0.00012%); highest among the groups gnomAD compares: South Asian, 0.0011%; no homozygotes.

Submission:

Ambry Genetics
Classification: Uncertain significance for Inborn genetic diseases. Last evaluated: 2023-03-14. Review status: criteria provided, single submitter. Criteria: Ambry Variant Classification Scheme 2023. Collection method: clinical testing. Allele origin: germline.
Comment: The c.1592G>A (p.G531E) alteration is located in exon 9 (coding exon 9) of the RFX7 gene. This alteration results from a G to A substitution at nucleotide position 1592, causing the glycine (G) at amino acid position 531 to be replaced by a glutamic acid (E). This variant was not reported in population-based cohorts in the Genome Aggregation Database (gnomAD). This amino acid position is not well conserved in available vertebrate species. This alteration is predicted to be tolerated by in silico analysis. Based on insufficient or conflicting evidence, the clinical significance of this alteration remains unclear.